The following is an entry in ClinVar:

NC_000007.13:g.(?_98771311)_(98779708_?)dup

Gene: KPNA7 (karyopherin subunit alpha 7; minus strand). Cytogenetic location: 7q22.1.
Variant type: Duplication.
Identifiers: ClinVar variation 1046626 (VCV001046626.1).

ClinVar aggregate classification (germline): Uncertain significance (1 of 4 stars; one submission).

Submission:

Labcorp Genetics (formerly Invitae), Labcorp
Classification: Uncertain significance. Last evaluated: 2020-02-02. Review status: criteria provided, single submitter. Criteria: Invitae Variant Classification Sherloc (09022015). Collection method: clinical testing. Allele origin: germline.
Comment: This variant results in a copy number gain of the genomic region encompassing exons 8-10 of the KPNA7 gene. The 5' boundary is likely confined to intron 7. The 3' end of this event is unknown as it extends beyond the assayed region for this gene and therefore may encompass additional genes. As the precise location of this event is unknown, it may be in tandem or it may be located elsewhere in the genome. This variant has not been reported in the literature in individuals with KPNA7-related conditions. In summary, the available evidence is currently insufficient to determine the role of this variant in disease. Therefore, it has been classified as a Variant of Uncertain Significance.